The following is an entry in ClinVar:

ClinVar aggregate classification (germline): Uncertain significance (1 of 4 stars; one submission).

Conditions:
Hereditary pheochromocytoma and paraganglioma. Also called: Hereditary pheochromocytoma-paraganglioma; Hereditary Paraganglioma-Pheochromocytoma Syndromes; Hereditary paragangliomas and pheochromocytomas. Identifiers: Orphanet 29072, MedGen C4274332, MONDO:0017366.

gnomAD v4.1: 10 of 1,614,236 alleles (0.00062%); highest among the groups gnomAD compares: South Asian, 0.0022%; no homozygotes.

Submission:

All of Us Research Program, National Institutes of Health
Classification: Uncertain significance for Hereditary pheochromocytoma and paraganglioma. Last evaluated: 2023-12-13. Review status: criteria provided, single submitter. Criteria: ACMG Guidelines, 2015. Collection method: clinical testing. Allele origin: germline. Inheritance: Autosomal dominant inheritance. Observed: 1 variant allele, 1 heterozygote.
Comment: This variant causes a G to T nucleotide substitution at the -15 position in the 5' untranslated region of the SDHD gene. To our knowledge, functional studies have not been reported for this variant. This variant has not been reported in individuals affected with SDHD-related disorders in the literature. This variant has been identified in 3/251428 chromosomes in the general population by the Genome Aggregation Database (gnomAD). The available evidence is insufficient to determine the role of this variant in disease conclusively. Therefore, this variant is classified as a Variant of Uncertain Significance.

This study involves interpretation of variants in research participants for the purpose of population health screening. Participant phenotype was not available at the time of variant classification. Additional details can be found in publication PMID: 35346344, PMCID: PMC8962531

NM_003002.4(SDHD):c.-15G>T

Genes: SDHD (succinate dehydrogenase complex subunit D; plus strand), LOC126861339 (BRD4-independent group 4 enhancer GRCh37_chr11:111957035-111958234; plus strand). Cytogenetic location: 11q23.1.
Variant type: single nucleotide variant.
Coding change: c.-15G>T on transcript NM_003002.4 (MANE Select); 15 bases upstream of the start codon, G replaced by T.
Molecular consequence: 5 prime UTR variant. On other transcripts: non-coding transcript variant (1).
Genome position (GRCh38, 1-based): chr11:112,086,893, G>T. VCF-style: chr11-112086893-G-T. GRCh37 (hg19) VCF-style: chr11-111957617-G-T.
Other names: c.-15G>T (NM_001276503.2, NM_001276504.2, NM_001276506.2).
Identifiers: ClinVar variation 3074801 (VCV003074801.1), dbSNP rs757913227, ClinGen allele CA070718.